The following is an entry in ClinVar:

NM_016169.4(SUFU):c.276C>G (p.Ser92Arg)

Gene: SUFU (SUFU negative regulator of hedgehog signaling; plus strand). Cytogenetic location: 10q24.32.
Variant type: single nucleotide variant.
Coding change: c.276C>G on transcript NM_016169.4 (MANE Select); coding-DNA position 276, C replaced by G.
Protein change: p.Ser92Arg; replaces serine 92 with arginine.
Molecular consequence: missense variant.
Genome position (GRCh38, 1-based): chr10:102,509,262, C>G. VCF-style: chr10-102509262-C-G. GRCh37 (hg19) VCF-style: chr10-104269019-C-G.
Other names: c.276C>G, p.Ser92Arg (NM_001178133.2); short protein forms S92R.
Identifiers: ClinVar variation 406383 (VCV000406383.9), dbSNP rs1060501106, ClinGen allele CA16612817.

ClinVar aggregate classification (germline): Uncertain significance (1 of 4 stars; one submission).

Conditions:
Medulloblastoma (MDB). Also called: Medulloblastoma, somatic; MEDULLOBLASTOMA PREDISPOSITION SYNDROME. Identifiers: Orphanet 616, MedGen C0025149, MeSH D008527, MONDO:0007959, OMIM 155255, HP:0002885.
Gorlin syndrome. Also called: Nevoid Basal Cell Carcinoma Syndrome; Basal cell nevus syndrome. Identifiers: Orphanet 377, MedGen C0004779, MONDO:0007187.

Submission:

Labcorp Genetics (formerly Invitae), Labcorp
Classification: Uncertain significance for Gorlin syndrome; Medulloblastoma. Last evaluated: 2022-11-15. Review status: criteria provided, single submitter. Criteria: Invitae Variant Classification Sherloc (09022015). Collection method: clinical testing. Allele origin: germline.
Comment: This sequence change replaces serine, which is neutral and polar, with arginine, which is basic and polar, at codon 92 of the SUFU protein (p.Ser92Arg). This variant is not present in population databases (gnomAD no frequency). This variant has not been reported in the literature in individuals affected with SUFU-related conditions. ClinVar contains an entry for this variant (Variation ID: 406383). Advanced modeling of protein sequence and biophysical properties (such as structural, functional, and spatial information, amino acid conservation, physicochemical variation, residue mobility, and thermodynamic stability) performed at Invitae indicates that this missense variant is expected to disrupt SUFU protein function. In summary, the available evidence is currently insufficient to determine the role of this variant in disease. Therefore, it has been classified as a Variant of Uncertain Significance.